The following is an entry in ClinVar:

ClinVar aggregate classification (germline): Uncertain significance (1 of 4 stars; one submission).

Submission:

Labcorp Genetics (formerly Invitae), Labcorp
Classification: Uncertain significance. Last evaluated: 2023-03-14. Review status: criteria provided, single submitter. Criteria: Invitae Variant Classification Sherloc (09022015). Collection method: clinical testing. Allele origin: germline.
Comment: In summary, the available evidence is currently insufficient to determine the role of this variant in disease. Therefore, it has been classified as a Variant of Uncertain Significance. Advanced modeling of protein sequence and biophysical properties (such as structural, functional, and spatial information, amino acid conservation, physicochemical variation, residue mobility, and thermodynamic stability) performed at Invitae indicates that this missense variant is not expected to disrupt ELP1 protein function. This variant has not been reported in the literature in individuals affected with ELP1-related conditions. This variant is not present in population databases (gnomAD no frequency). This sequence change replaces threonine, which is neutral and polar, with arginine, which is basic and polar, at codon 1024 of the ELP1 protein (p.Thr1024Arg).

NM_003640.5(ELP1):c.3071C>G (p.Thr1024Arg)

Gene: ELP1 (elongator acetyltransferase complex subunit 1; minus strand). Cytogenetic location: 9q31.3.
Variant type: single nucleotide variant.
Coding change: c.3071C>G on transcript NM_003640.5 (MANE Select); coding-DNA position 3071, C replaced by G.
Protein change: p.Thr1024Arg; replaces threonine 1024 with arginine.
Molecular consequence: missense variant.
Genome position (GRCh38, 1-based): chr9:108,891,292, G>C on the plus strand (C>G on the coding strand, the complement: ELP1 is on the minus strand). VCF-style: chr9-108891292-G-C. GRCh37 (hg19) VCF-style: chr9-111653572-G-C.
Other names: c.2729C>G, p.Thr910Arg (NM_001318360.2); c.2024C>G, p.Thr675Arg (NM_001330749.2); short protein forms T675R, T1024R, T910R.
Identifiers: ClinVar variation 2845828 (VCV002845828.3), dbSNP rs2537878564, ClinGen allele CA374416772.